The following is an entry in ClinVar:

ClinVar aggregate classification (germline): Uncertain significance (1 of 4 stars; one submission).

Conditions:
Inborn genetic diseases. Identifiers: MedGen C0950123, MeSH D030342.

gnomAD v4.1: 1 of 1,614,060 alleles (0.000062%); highest among the groups gnomAD compares: African/African-American, 0.0013%; no homozygotes.

Submission:

Ambry Genetics
Classification: Uncertain significance for Inborn genetic diseases. Last evaluated: 2025-02-20. Review status: criteria provided, single submitter. Criteria: Ambry Variant Classification Scheme 2023. Collection method: clinical testing. Allele origin: germline.
Comment: The p.P225S variant (also known as c.673C>T), located in coding exon 6 of the FANCG gene, results from a C to T substitution at nucleotide position 673. The proline at codon 225 is replaced by serine, an amino acid with similar properties. This amino acid position is conserved. In addition, this alteration is predicted to be tolerated by in silico analysis. Based on the available evidence, the clinical significance of this variant remains unclear.

NM_004629.2(FANCG):c.673C>T (p.Pro225Ser)

Gene: FANCG (FA complementation group G; minus strand). Cytogenetic location: 9p13.3.
Variant type: single nucleotide variant.
Coding change: c.673C>T on transcript NM_004629.2 (MANE Select); coding-DNA position 673, C replaced by T.
Protein change: p.Pro225Ser; replaces proline 225 with serine.
Molecular consequence: missense variant.
Genome position (GRCh38, 1-based): chr9:35,077,075, G>A on the plus strand (C>T on the coding strand, the complement: FANCG is on the minus strand). VCF-style: chr9-35077075-G-A. GRCh37 (hg19) VCF-style: chr9-35077072-G-A.
Other names: short protein forms P225S.
Identifiers: ClinVar variation 3848449 (VCV003848449.1).
Genomic context (GRCh38, chr9:35,077,075, plus strand): 5'-ACACAGGCCGTGGACACAGGCCTGAGGCCGCTTCATGAAGGCTGCTTAGTGCCTTGTCTG[G>A]GTTCCCTGTGATCAGCTCCTGGAGACCTGAGGACAGTCAGGGTGTGAGCTTGGAGAGGGC-3'
Protein context (NP_004620.1, residues 215-235): QGLQELITGN[Pro225Ser]DKALSSLHEA